The following is an entry in ClinVar:

NM_000138.5(FBN1):c.1633C>T (p.Arg545Cys)

Gene: FBN1 (fibrillin 1; minus strand). Cytogenetic location: 15q21.1.
Variant type: single nucleotide variant.
Coding change: c.1633C>T on transcript NM_000138.5 (MANE Select); coding-DNA position 1633, C replaced by T.
Protein change: p.Arg545Cys; replaces arginine 545 with cysteine.
Molecular consequence: missense variant.
Genome position (GRCh38, 1-based): chr15:48,510,125, G>A on the plus strand (C>T on the coding strand, the complement: FBN1 is on the minus strand). VCF-style: chr15-48510125-G-A. GRCh37 (hg19) VCF-style: chr15-48802322-G-A.
Other names: short protein forms R545C.
Identifiers: ClinVar variation 180352 (VCV000180352.72), dbSNP rs730880099, ClinGen allele CA012342.

ClinVar aggregate classification (germline): Pathogenic/Likely pathogenic. Review status: criteria provided, multiple submitters, no conflicts (2 of 4 stars). 18 submissions from 18 submitters: Pathogenic (16); Likely pathogenic (1). 1 of the submissions does not count toward it. Last evaluated 2026-09-16.

Conditions:
Marfan Syndrome/Loeys-Dietz Syndrome/Familial Thoracic Aortic Aneurysms and Dissections. Identifiers: MedGen CN229799.
Marfan syndrome (MFS). Also called: Marfan syndrome, classic; FBN1-Related Marfan Syndrome; Marfan syndrome type 1; Marfan's syndrome; MARFAN SYNDROME, TYPE I. Identifiers: Orphanet 284963, Orphanet 558, MedGen C0024796, MONDO:0007947, OMIM 154700.
MASS syndrome (OCTD). Also called: OVERLAP CONNECTIVE TISSUE DISEASE; MASS PHENOTYPE. Identifiers: MedGen C1858556, MONDO:0011431, OMIM 604308.
Weill-Marchesani syndrome 2, dominant. Also called: Weill-Marchesani Syndrome, Autosomal Dominant; FBN1-Related Weill-Marchesani Syndrome. Identifiers: Orphanet 2084, MedGen C1869115, MONDO:0012013, OMIM 608328.
Acromicric dysplasia (ACMICD). Also called: Acromicric skeletal dysplasia. Identifiers: Orphanet 969, MedGen C0265287, MONDO:0007055, OMIM 102370.
Ectopia lentis 1, isolated, autosomal dominant (ECTOL1). Identifiers: Orphanet 1885, MedGen C3541518, MONDO:0007514, OMIM 129600.
Stiff skin syndrome (SSKS). Identifiers: Orphanet 2833, MedGen C1861456, MONDO:0008492, OMIM 184900.
Geleophysic dysplasia 2 (GPHYSD2). Identifiers: Orphanet 2623, MedGen C3280054, MONDO:0013612, OMIM 614185.
Progeroid and marfanoid aspect-lipodystrophy syndrome. Also called: MARFANOID-PROGEROID SYNDROME; MARFAN-PROGEROID-LIPODYSTROPHY SYNDROME; Marfan lipodystrophy syndrome; MARFANOID-PROGEROID-LIPODYSTROPHY SYNDROME. Identifiers: Orphanet 300382, MedGen C4310796, MONDO:0014831, OMIM 616914.
Familial thoracic aortic aneurysm and aortic dissection (TAAD). Also called: Thoracic aortic aneurysms and dissections. Identifiers: Orphanet 91387, MedGen C4707243, MONDO:0019625.
FBN1-related disorder. Also called: FBN1-related disorders.

Allele frequency attached by ClinVar (database versions not stated): gnomAD exomes below 0.00001.
gnomAD v4.1: 5 of 1,613,224 alleles (0.00031%); highest among the groups gnomAD compares: Non-Finnish European, 0.00042%; no homozygotes.

Submissions 1 to 6 of 18:

PreventionGenetics, part of Exact Sciences
Classification: Pathogenic for FBN1-related condition. Last evaluated: 2026-09-16. Review status: criteria provided, single submitter. Criteria: ACMG Guidelines, 2015. Collection method: clinical testing. Allele origin: germline.
Comment: The FBN1 c.1633C>T variant is predicted to result in the amino acid substitution p.Arg545Cys. This variant creates a cysteine residue that is located within one of the calcium-binding epidermal growth factor (cbEGF)-like domains of the FBN1 protein and missense variants in FBN1 that substitute or create a cysteine residue are well-documented to cause Marfan syndrome (Stheneur et al. 2009. PubMed ID: 19293843; Drackley et al. 2024. PubMed ID: 39741318). This variant has been reported in individuals with Marfan syndrome (MFS), ectopia lentis, and aortic dissection (Hayward et al. 1997. PubMed ID: 9338581; Jin et al. 2007. PubMed ID: 17679947; Aragon-Martin et al. 2010. PubMed ID: 20564469; Li et al. 2016. PubMed ID: 27353645; Loeys et al. 2001. PubMed ID: 11700157; Söylen et al. 2009. PubMed ID: 19159394). Segregation was demonstrated in two of these families (Hayward et al. 1997. PubMed ID: 9338581; Li et al. 2016. PubMed ID: 27353645). This variant has not been reported in a large population database (gnomAD), indicating it is rare. An alternate missense at the same amino acid position (p.Arg545Pro) has been reported in an individual with suspected MFS (Mannucci et al. 2020. PubMedID: 31730815). Taken together, the c.1633C>T (p.Arg545Cys) variant is interpreted as pathogenic.

Dasa
Classification: Pathogenic. Last evaluated: 2025-08-28. Review status: criteria provided, single submitter. Criteria: DASA Assertion Criteria. Collection method: clinical testing. Allele origin: germline.
Comment: NM_000138.5(FBN1):c.1633C>T (p.Arg545Cys) is a missense variant that results in the substitution of arginine with cysteine. The affected residue or protein region has prior evidence supporting clinical relevance. This variant has been reported in individuals with related phenotype. Segregation evidence has been reported in affected families. Functional evidence supports a deleterious effect on the gene or gene product. This variant has been reported in individuals with related phenotype. Multiple computational predictions support a deleterious effect on the gene or gene product. The variant is present at low frequency in population datasets. Based on the available data, this variant is classified as pathogenic.

Ambry Genetics
Classification: Pathogenic for Familial thoracic aortic aneurysm and aortic dissection. Last evaluated: 2025-07-28. Review status: criteria provided, single submitter. Criteria: Ambry Variant Classification Scheme 2023. Collection method: clinical testing. Allele origin: germline.
Comment: The c.1633C>T (p.R545C) alteration is located in exon 14 (coding exon 13) of the FBN1 gene. This alteration results from a C to T substitution at nucleotide position 1633, causing the arginine (R) at amino acid position 545 to be replaced by a cysteine (C). This variant was not reported in population-based cohorts in the Genome Aggregation Database (gnomAD). This variant has been described in several patients with ectopia lentis and Marfan syndrome (Loeys, 2001; Comeglio, 2007; Jin, 2007). Additionally, this alteration was observed to co-segregate in multiple relatives in two unrelated multi-generation families (Hayward, 1997; Li, 2016). This amino acid position is highly conserved in available vertebrate species. The arginine at codon 545 is replaced by cysteine, an amino acid with highly dissimilar properties, and is located in the cbEGF-like #04 domain. The majority of FBN1 mutations identified to date have involved the substitution or generation of cysteine residues within cbEGF domains (Vollbrandt, 2004). This alteration is predicted to be deleterious by in silico analysis. Based on the available evidence, this alteration is classified as pathogenic.

Labcorp Genetics (formerly Invitae), Labcorp
Classification: Pathogenic for Marfan syndrome; Familial thoracic aortic aneurysm and aortic dissection. Last evaluated: 2025-07-24. Review status: criteria provided, single submitter. Criteria: Invitae Variant Classification Sherloc (09022015). Collection method: clinical testing. Allele origin: germline.
Comment: This sequence change replaces arginine, which is basic and polar, with cysteine, which is neutral and slightly polar, at codon 545 of the FBN1 protein (p.Arg545Cys). This variant is not present in population databases (gnomAD no frequency). This missense change has been observed in individual(s) with ectopia lentis and/or Marfan syndrome (PMID: 9338581, 12446365, 15241795, 17679947, 19159394, 20564469, 27353645, 27611364). It has also been observed to segregate with disease in related individuals. ClinVar contains an entry for this variant (Variation ID: 180352). Invitae Evidence Modeling of protein sequence and biophysical properties (such as structural, functional, and spatial information, amino acid conservation, physicochemical variation, residue mobility, and thermodynamic stability) indicates that this missense variant is expected to disrupt FBN1 protein function with a positive predictive value of 95%. For these reasons, this variant has been classified as Pathogenic.

3billion
Classification: Likely pathogenic for Marfan syndrome. Last evaluated: 2024-11-07. Review status: criteria provided, single submitter. Criteria: ACMG Guidelines, 2015. Collection method: clinical testing. Allele origin: germline. Affected: yes.
Comment: The variant is observed at an extremely low frequency in the gnomAD v4.1.0 dataset (total allele frequency: <0.001%). Predicted Consequence/Location: Missense variant In silico tool predictions suggest damaging effect of the variant on gene or gene product [REVEL: 0.91 (>=0.6, sensitivity 0.68 and specificity 0.92); 3Cnet: 0.70 (>=0.6, sensitivity 0.72 and precision 0.9)]. The same nucleotide change resulting in the same amino acid change has been previously reported as pathogenic/likely pathogenic with strong evidence (ClinVar ID: VCV000180352 /PMID: 9338581). Different missense changes at the same codon (p.Arg545His, p.Arg545Pro) have been reported to be associated with FBN1 related disorder (ClinVar ID: VCV000036034, VCV000684577 /PMID: 27906200). Therefore, this variant is classified as Likely pathogenic according to the recommendation of ACMG/AMP guideline.

Molecular Genetics, Royal Melbourne Hospital
Classification: Pathogenic for Marfan syndrome. Last evaluated: 2024-11-04. Review status: criteria provided, single submitter. Criteria: ACMG Guidelines, 2015. Collection method: clinical testing. Allele origin: germline. Inheritance: Autosomal dominant inheritance. Affected: yes.
Comment: This sequence change in FBN1 is predicted to replace arginine with cysteine at codon 545, p.(Arg545Cys). The arginine residue is highly conserved (100 vertebrates, Multiz Alignments), and introduces an odd number of cysteine residues in EGF-like calcium binding domain 8 expected to disrupt the disulphide bonds in this domain enhancing proteolytic susceptibility (PMID: 15161917). There is a large physicochemical difference between arginine and cysteine. The highest population minor allele frequency in the population database gnomAD v4.1 is 0.0004% (5/1,179,436 alleles) in the European (non-Finnish) population. This variant has been reported in multiple unrelated probands with a clinical diagnosis of Marfan Syndrome and segregates with disease in multiple families (PMID: 34281902, 25053872, 25652356, 31741853, 12446365). Computational evidence predicts a deleterious effect for the missense substitution (REVEL = 0.907) and predicts no impact on splicing (SpliceAI) for the nucleotide change. Based on the classification scheme RMH Modified ACMG/AMP Guidelines v1.7.0, this variant is classified as PATHOGENIC. Following criteria are met: PP1_Strong, PS4, PM1, PM2_Supporting, PP3.